The following is an entry in ClinVar:

ClinVar aggregate classification (germline): Uncertain significance (1 of 4 stars; one submission).

Conditions:
PHIP-related disorder. Also called: PHIP-related condition; PHIP-related disorders.

Submission:

PreventionGenetics, part of Exact Sciences
Classification: Uncertain significance for PHIP-related condition. Last evaluated: 2026-07-28. Review status: criteria provided, single submitter. Criteria: ACMG Guidelines, 2015. Collection method: clinical testing. Allele origin: germline.
Comment: The PHIP c.989G>C variant is predicted to result in the amino acid substitution p.Ser330Thr. To our knowledge, this variant has not been reported in the literature or in a large population database (gnomAD), indicating this variant is rare. At this time, the clinical significance of this variant is uncertain due to the absence of conclusive functional and genetic evidence.

NM_017934.7(PHIP):c.989G>C (p.Ser330Thr)

Gene: PHIP (PHIP subunit of CUL4-Ring ligase complex; minus strand). Cytogenetic location: 6q14.1.
Variant type: single nucleotide variant.
Coding change: c.989G>C on transcript NM_017934.7 (MANE Select); coding-DNA position 989, G replaced by C.
Protein change: p.Ser330Thr; replaces serine 330 with threonine.
Molecular consequence: missense variant.
Genome position (GRCh38, 1-based): chr6:79,019,094, C>G on the plus strand (G>C on the coding strand, the complement: PHIP is on the minus strand). VCF-style: chr6-79019094-C-G. GRCh37 (hg19) VCF-style: chr6-79728811-C-G.
Other names: short protein forms S330T.
Identifiers: ClinVar variation 4991927 (VCV004991927.1).